The following is an entry in ClinVar:

ClinVar aggregate classification (germline): Uncertain significance (1 of 4 stars; one submission).

gnomAD v4.1: 1 of 1,613,328 alleles (0.000062%); no homozygotes.

Submission:

Ambry Genetics
Classification: Uncertain significance. Last evaluated: 2024-10-29. Review status: criteria provided, single submitter. Criteria: Ambry Variant Classification Scheme 2023. Collection method: clinical testing. Allele origin: germline.
Comment: The p.V809A variant (also known as c.2426T>C), located in coding exon 24 of the NEBL gene, results from a T to C substitution at nucleotide position 2426. The valine at codon 809 is replaced by alanine, an amino acid with similar properties. This amino acid position is conserved. In addition, this alteration is predicted to be tolerated by in silico analysis. Based on the available evidence, the clinical significance of this variant remains unclear.

NM_006393.3(NEBL):c.2426T>C (p.Val809Ala)

Gene: NEBL (nebulette; minus strand). Cytogenetic location: 10p12.31.
Variant type: single nucleotide variant.
Coding change: c.2426T>C on transcript NM_006393.3 (MANE Select); coding-DNA position 2426, T replaced by C.
Protein change: p.Val809Ala; replaces valine 809 with alanine.
Molecular consequence: missense variant.
Genome position (GRCh38, 1-based): chr10:20,812,861, A>G on the plus strand (T>C on the coding strand, the complement: NEBL is on the minus strand). VCF-style: chr10-20812861-A-G. GRCh37 (hg19) VCF-style: chr10-21101790-A-G.
Other names: c.437T>C, p.Val146Ala (NM_001173484.2, NM_001377322.1, NM_213569.2); c.389T>C, p.Val130Ala (NM_001377323.1); c.380T>C, p.Val127Ala (NM_001377324.1); c.371T>C, p.Val124Ala (NM_001377325.1); c.329T>C, p.Val110Ala (NM_001377326.1, NM_001377327.1, NM_001377328.1); short protein forms V124A, V146A, V809A, V127A, V110A, V130A.
Identifiers: ClinVar variation 3404014 (VCV003404014.1).